The following is an entry in ClinVar:

NM_181507.2(HPS5):c.229A>G (p.Ile77Val)

Gene: HPS5 (HPS5 biogenesis of lysosomal organelles complex 2 subunit 2; minus strand). Cytogenetic location: 11p15.1.
Variant type: single nucleotide variant.
Coding change: c.229A>G on transcript NM_181507.2 (MANE Select); coding-DNA position 229, A replaced by G.
Protein change: p.Ile77Val; replaces isoleucine 77 with valine.
Molecular consequence: missense variant. On other transcripts: 5 prime UTR variant (1).
Genome position (GRCh38, 1-based): chr11:18,311,442, T>C on the plus strand (A>G on the coding strand, the complement: HPS5 is on the minus strand). VCF-style: chr11-18311442-T-C. GRCh37 (hg19) VCF-style: chr11-18332989-T-C.
Other names: c.-114A>G (NM_007216.4, NM_181508.2); short protein forms I77V.
Identifiers: ClinVar variation 1376971 (VCV001376971.7), dbSNP rs180813484, ClinGen allele CA5910498.

ClinVar aggregate classification (germline): Uncertain significance. Review status: criteria provided, multiple submitters, no conflicts (2 of 4 stars). 3 submissions from 3 submitters: Uncertain significance (3). Last evaluated 2024-10-17.

Conditions:
Inborn genetic diseases. Identifiers: MedGen C0950123, MeSH D030342.

Allele frequency attached by ClinVar (database versions not stated): gnomAD 0.00006 and 0.00007; gnomAD exomes 0.00006; ExAC 0.00007; 1000 Genomes Project 0.00020; TOPMed 0.00022; 1000 Genomes Project 30x 0.00031.
gnomAD v4.1: 91 of 1,602,780 alleles (0.0057%); highest among the groups gnomAD compares: Admixed American, 0.025%; no homozygotes.

Submissions (3):

Blueprint Genetics
Classification: Uncertain significance. Last evaluated: 2024-10-17. Review status: criteria provided, single submitter. Criteria: ACMG Guidelines, 2015. Collection method: clinical testing. Allele origin: germline.

Labcorp Genetics (formerly Invitae), Labcorp
Classification: Uncertain significance. Last evaluated: 2022-10-05. Review status: criteria provided, single submitter. Criteria: Invitae Variant Classification Sherloc (09022015). Collection method: clinical testing. Allele origin: germline.
Comment: This sequence change replaces isoleucine, which is neutral and non-polar, with valine, which is neutral and non-polar, at codon 77 of the HPS5 protein (p.Ile77Val). This variant is present in population databases (rs180813484, gnomAD 0.02%). This variant has not been reported in the literature in individuals affected with HPS5-related conditions. ClinVar contains an entry for this variant (Variation ID: 1376971). Algorithms developed to predict the effect of missense changes on protein structure and function output the following: SIFT: "Deleterious"; PolyPhen-2: "Benign"; Align-GVGD: "Class C0". The valine amino acid residue is found in multiple mammalian species, which suggests that this missense change does not adversely affect protein function. In summary, the available evidence is currently insufficient to determine the role of this variant in disease. Therefore, it has been classified as a Variant of Uncertain Significance.

Ambry Genetics
Classification: Uncertain significance for Inborn genetic diseases. Last evaluated: 2021-08-13. Review status: criteria provided, single submitter. Criteria: Ambry Variant Classification Scheme 2023. Collection method: clinical testing. Allele origin: germline.